The following is an entry in ClinVar:

ClinVar aggregate classification (germline): Uncertain significance (1 of 4 stars; one submission).

Conditions:
Lymphoproliferative syndrome 2 (LPFS2). Also called: CD27 DEFICIENCY; Combined immunodeficiency due to CD27 deficiency. Identifiers: Orphanet 238505, MedGen C3554540, MONDO:0014054, OMIM 615122.

Allele frequency attached by ClinVar (database versions not stated): gnomAD exomes 0.00002.
gnomAD v4.1: 14 of 1,613,776 alleles (0.00087%); highest among the groups gnomAD compares: East Asian, 0.031%; no homozygotes.

Submission:

Labcorp Genetics (formerly Invitae), Labcorp
Classification: Uncertain significance for Lymphoproliferative syndrome 2. Last evaluated: 2022-03-04. Review status: criteria provided, single submitter. Criteria: Invitae Variant Classification Sherloc (09022015). Collection method: clinical testing. Allele origin: germline.
Comment: In summary, the available evidence is currently insufficient to determine the role of this variant in disease. Therefore, it has been classified as a Variant of Uncertain Significance. Algorithms developed to predict the effect of sequence changes on RNA splicing suggest that this variant may disrupt the consensus splice site. This variant has not been reported in the literature in individuals affected with CD27-related conditions. This variant is not present in population databases (gnomAD no frequency). This sequence change falls in intron 5 of the CD27 gene. It does not directly change the encoded amino acid sequence of the CD27 protein.

NM_001242.5(CD27):c.659-6C>T

Genes: CD27 (CD27 molecule; plus strand), CD27-AS1 (CD27 antisense RNA 1; minus strand), LOC130007243 (ATAC-STARR-seq lymphoblastoid active region 5860; plus strand). Cytogenetic location: 12p13.31.
Variant type: single nucleotide variant.
Coding change: c.659-6C>T on transcript NM_001242.5 (MANE Select); 6 bases into the intron before coding-DNA position 659, C replaced by T.
Molecular consequence: intron variant. On other transcripts: non-coding transcript variant (1).
Genome position (GRCh38, 1-based): chr12:6,451,262, C>T. VCF-style: chr12-6451262-C-T. GRCh37 (hg19) VCF-style: chr12-6560428-C-T.
Identifiers: ClinVar variation 2139164 (VCV002139164.4), dbSNP rs1949540853, ClinGen allele CA478131025.
Genomic context (GRCh38, chr12:6,451,262, plus strand): 5'-CATCTCCTTCTCCCGTCTCCCCCTGCCCCCACTGCTGGCCAAGACTCATCGGATCTCCTT[C>T]TGCAGACAAAGGAGAAAGTCCTGTGGAGCCTGCAGAGCCTTGTCATTACAGCTGCCCCAG-3'